The following is an entry in ClinVar:

NM_000939.4(POMC):c.272_280del (p.Asn91_Ser93del)

Gene: POMC (proopiomelanocortin; minus strand). Cytogenetic location: 2p23.3.
Variant type: Deletion.
Coding change: c.272_280del on transcript NM_000939.4 (MANE Select); coding-DNA positions 272 to 280, 9 bases deleted (ACAGCAGCA; older notation c.272_280delACAGCAGCA).
Protein change: p.Asn91_Ser93del.
Molecular consequence: inframe deletion.
Genome position (GRCh38, 1-based): chr2:25,161,605-25,161,613, TGCTGCTGT deleted on the plus strand (ACAGCAGCA on the coding strand, the reverse complement: POMC is on the minus strand); deleting any 9 consecutive bases within chr2:25,161,605-25,161,616 gives the same sequence; the c. name uses the placement nearest the transcript's 3' end. VCF-style (leftmost placement, unchanged base first): chr2-25161604-CTGCTGCTGT-C. GRCh37 (hg19) VCF-style: chr2-25384473-CTGCTGCTGT-C.
Other names: c.272_280del, p.Asn91_Ser93del (NM_001035256.3, NM_001319204.2, NM_001319205.2).
Identifiers: ClinVar variation 4993072 (VCV004993072.1).

ClinVar aggregate classification (germline): Uncertain significance (1 of 4 stars; one submission).

Conditions:
POMC-related disorder. Also called: POMC-related condition; POMC-related disorders.

Submission:

PreventionGenetics, part of Exact Sciences
Classification: Uncertain significance for POMC-related condition. Last evaluated: 2026-04-27. Review status: criteria provided, single submitter. Criteria: ACMG Guidelines, 2015. Collection method: clinical testing. Allele origin: germline.
Comment: The POMC c.272_280del9 variant is predicted to result in an in-frame deletion (p.Asn91_Ser93del). To our knowledge, this variant has not been reported in the literature or in a large population database (gnomAD), indicating this variant is rare. At this time, the clinical significance of this variant is uncertain due to the absence of conclusive functional and genetic evidence.